The following is an entry in ClinVar:

NM_152618.3(BBS12):c.250G>A (p.Gly84Arg)

Gene: BBS12 (Bardet-Biedl syndrome 12; plus strand). Cytogenetic location: 4q27.
Variant type: single nucleotide variant.
Coding change: c.250G>A on transcript NM_152618.3 (MANE Select); coding-DNA position 250, G replaced by A.
Protein change: p.Gly84Arg; replaces glycine 84 with arginine.
Molecular consequence: missense variant.
Genome position (GRCh38, 1-based): chr4:122,742,142, G>A. VCF-style: chr4-122742142-G-A. GRCh37 (hg19) VCF-style: chr4-123663297-G-A.
Other names: c.250G>A, p.Gly84Arg (NM_001178007.2); short protein forms G84R.
Identifiers: ClinVar variation 627533 (VCV000627533.2), dbSNP rs1578489760, ClinGen allele CA358222512.

ClinVar aggregate classification (germline): Likely pathogenic (1 of 4 stars; one submission).

Conditions:
Bardet-Biedl syndrome 12 (BBS12). Identifiers: Orphanet 110, MedGen C1859570, MONDO:0014440, OMIM 615989.

Submission:

Department of Medical Genetics, Sanjay Gandhi Post Graduate Institute of Medical Sciences
Classification: Likely pathogenic for Bardet-Biedl syndrome 12. Review status: criteria provided, single submitter. Criteria: ACMG Guidelines, 2015. Collection method: clinical testing. Allele origin: inherited. Inheritance: Autosomal recessive inheritance. Affected: yes. Observed: 1 homozygote.
Comment: Analysis of the data showed a novel homozygous missense sequence variant in exon 3 of BBS12 gene. This variant is classified as likely pathogenic which shows strong evidence of pathogenicity according to ACMG guidelines (Richards et al., 2015). This variant is not found in ExAC and 1000G databases.